The following is an entry in ClinVar:

NM_004656.4(BAP1):c.783+2T>C

Gene: BAP1 (BRCA1 associated deubiquitinase 1; minus strand). Cytogenetic location: 3p21.1.
Variant type: single nucleotide variant.
Coding change: c.783+2T>C on transcript NM_004656.4 (MANE Select); the canonical splice donor site of the intron after coding-DNA position 783, T replaced by C.
Molecular consequence: splice donor variant.
Genome position (GRCh38, 1-based): chr3:52,406,251, A>G on the plus strand (T>C on the coding strand, the complement: BAP1 is on the minus strand). VCF-style: chr3-52406251-A-G. GRCh37 (hg19) VCF-style: chr3-52440267-A-G.
Other names: c.729+2T>C (NM_001410772.1).
Identifiers: ClinVar variation 422670 (VCV000422670.31), dbSNP rs774730309, ClinGen allele CA2437006.
Genomic context (GRCh38, chr3:52,406,251, plus strand): 5'-GAAGGGAGGAGGAATGCAGGGAGGGTTGGGCTGGGCAGAGGCCAGGAAGAAAGGGCACCT[A>G]CCTGCTGCAGAGCCTCTAGTACTGTCTGACGGTTCACCTTCAGCACATGCAGCCTGGCCT-3'

ClinVar aggregate classification (germline): Conflicting classifications of pathogenicity. Review status: criteria provided, conflicting classifications (1 of 4 stars). 7 submissions from 7 submitters: Uncertain significance (6); Likely benign (1). Last evaluated 2026-01-20.

Conditions:
Hereditary cancer-predisposing syndrome. Also called: Tumor predisposition; Hereditary Cancer Syndrome; Hereditary neoplastic syndrome; Neoplastic Syndromes, Hereditary. Identifiers: Orphanet 140162, MedGen C0027672, MeSH D009386, MONDO:0015356.
BAP1-related tumor predisposition syndrome (TPDS1). Also called: TUMOR PREDISPOSITION SYNDROME 1; Tumor susceptibility linked to germline BAP1 mutations; BAP1 tumor predisposition syndrome; COMMON Syndrome. Identifiers: Orphanet 289539, MedGen C3280492, MONDO:0013692, OMIM 614327.

Allele frequency attached by ClinVar (database versions not stated): ExAC 0.00001; gnomAD 0.00001; gnomAD exomes 0.00001 and below 0.00001; TOPMed 0.00001.
gnomAD v4.1: 8 of 1,614,034 alleles (0.0005%); highest among the groups gnomAD compares: Non-Finnish European, 0.00059%; no homozygotes.

Submissions (7):

Labcorp Genetics (formerly Invitae), Labcorp
Classification: Uncertain significance for BAP1-related tumor predisposition syndrome. Last evaluated: 2026-01-20. Review status: criteria provided, single submitter. Criteria: Invitae Variant Classification Sherloc (09022015). Collection method: clinical testing. Allele origin: germline.
Comment: This sequence change affects a donor splice site in intron 9 of the BAP1 gene. It is expected to disrupt RNA splicing. Variants that disrupt the donor or acceptor splice site typically lead to a loss of protein function (PMID: 16199547), and loss-of-function variants in BAP1 are known to be pathogenic (PMID: 21874000, 23684012). This variant is present in population databases (rs774730309, gnomAD 0.0009%). Disruption of this splice site has been observed in individual(s) with BAP1-related conditions (PMID: 30338612, 35988656). Disruption of this splice site has been observed in at least one individual who was not affected with BAP1-related conditions (PMID: 30980208; internal data). ClinVar contains an entry for this variant (Variation ID: 422670). Studies have shown that disruption of this splice site is associated with inconclusive levels of altered splicing (PMID: 35885614; internal data). In summary, the available evidence is currently insufficient to determine the role of this variant in disease. Therefore, it has been classified as a Variant of Uncertain Significance.

GeneDx
Classification: Uncertain significance. Last evaluated: 2025-03-25. Review status: criteria provided, single submitter. Criteria: GeneDx Variant Classification Process June 2021. Collection method: clinical testing. Allele origin: germline. Affected: yes.
Comment: Canonical splice site variant with an indeterminate effect on protein function, demonstrating no effect on splicing in one study, but exon skipping in another study (PMID: 33600035, 35885614); Observed in individuals with melanoma, mesothelioma, breast cancer, or renal cancer (PMID: 30338612, 30980208, 33600035, 35885614, 39272843); Not observed at significant frequency in large population cohorts (gnomAD); This variant is associated with the following publications: (PMID: 29761599, 30338612, 30980208, 33600035, 34426522, 35988656, 39272843, 35885614)

Center for Genomic Medicine, Rigshospitalet, Copenhagen University Hospital
Classification: Uncertain significance. Last evaluated: 2025-03-04. Review status: criteria provided, single submitter. Criteria: ACMG Guidelines, 2015. Collection method: clinical testing. Allele origin: germline.

Color Diagnostics, LLC DBA Color Health
Classification: Uncertain significance for Hereditary cancer-predisposing syndrome. Last evaluated: 2024-07-23. Review status: criteria provided, single submitter. Criteria: ACMG Guidelines, 2015. Collection method: clinical testing. Allele origin: germline.
Comment: This variant causes a T to C nucleotide substitution at the +2 position of intron 9 of the BAP1 gene. Splice site prediction tools suggest that this variant may have a significant impact on RNA splicing. RNA derived from an individual carrying this variant and affected with melanoma showed a small amount of exon 9 skipping (PMID: 35885614). However, a separate RNA study using RT-PCR of proband RNA demonstrated that the splicing patterns in carriers of the variant were identical to control transcripts, indicating that the variant has no major effect on splicing of these BAP1 exons (PMID: 33600035, ClinVar: SCV001189319.2). This variant has been reported in individuals affected with mesothelioma (PMID: 30338612, 35885614) and melanoma (PMID: 35885614), but has also been reported in many individuals without a personal or family history of BAP1-associated cancers (PMID: 30980208, 33600035; Color internal data). This variant has been identified in 2/251252 chromosomes in the general population by the Genome Aggregation Database (gnomAD). The available evidence is insufficient to determine the role of this variant in disease conclusively. Therefore, this variant is classified as a Variant of Uncertain Significance.

Baylor Genetics
Classification: Uncertain significance for BAP1-related tumor predisposition syndrome. Last evaluated: 2023-10-18. Review status: criteria provided, single submitter. Criteria: ACMG Guidelines, 2015. Collection method: clinical testing. Allele origin: unknown.

Blueprint Genetics
Classification: Uncertain significance. Last evaluated: 2023-03-08. Review status: criteria provided, single submitter. Criteria: ACMG Guidelines, 2015. Collection method: clinical testing. Allele origin: germline.

Ambry Genetics
Classification: Likely benign for Hereditary cancer-predisposing syndrome. Last evaluated: 2021-03-19. Review status: criteria provided, single submitter. Criteria: Ambry Variant Classification Scheme 2023. Collection method: clinical testing. Allele origin: germline.

Literature cited by the submitters: PubMed 16199547 (cited by Labcorp Genetics (formerly Invitae), Labcorp); PubMed 21874000 (cited by Labcorp Genetics (formerly Invitae), Labcorp); PubMed 23684012 (cited by Labcorp Genetics (formerly Invitae), Labcorp); PubMed 30338612 (cited by 3 submitters); PubMed 35988656 (cited by Labcorp Genetics (formerly Invitae), Labcorp); PubMed 30980208 (cited by 4 submitters); PubMed 35885614 (cited by Labcorp Genetics (formerly Invitae), Labcorp and Color Diagnostics, LLC DBA Color Health); PubMed 33600035 (cited by 3 submitters); PubMed 29761599 (cited by Ambry Genetics).